The following is an entry in ClinVar:

ClinVar aggregate classification (germline): Benign. Review status: criteria provided, multiple submitters, no conflicts (2 of 4 stars). 3 submissions from 3 submitters: Benign (2). 1 of the submissions does not count toward it. Last evaluated 2025-06-12.

Conditions:
CELSR2-related disorder. Also called: CELSR2-related condition.

Allele frequency attached by ClinVar (database versions not stated): gnomAD exomes 0.00032 and 0.00080; ExAC 0.00100; TOPMed 0.00332; 1000 Genomes Project 0.00339; ESP Exome Variant Server 0.00369; 1000 Genomes Project 30x 0.00422.

Submissions (3):

Labcorp Genetics (formerly Invitae), Labcorp
Classification: Benign. Last evaluated: 2025-06-12. Review status: criteria provided, single submitter. Criteria: Invitae Variant Classification Sherloc (09022015). Collection method: clinical testing. Allele origin: germline.

Breakthrough Genomics
Classification: Benign. Review status: criteria provided, single submitter. Criteria: ACMG Guidelines, 2015. Collection method: not provided. Allele origin: germline. Inheritance: Unknown mechanism. Affected: yes.

PreventionGenetics, part of Exact Sciences
Classification: Benign for CELSR2-related condition. Last evaluated: 2019-08-26. Review status: no assertion criteria provided. Collection method: clinical testing. Allele origin: germline. Not counted in ClinVar's aggregate classification.
Comment: This variant is classified as benign based on ACMG/AMP sequence variant interpretation guidelines (Richards et al. 2015 PMID: 25741868, with internal and published modifications).

NM_001408.3(CELSR2):c.8478C>T (p.Pro2826=)

Gene: CELSR2 (cadherin EGF LAG seven-pass G-type receptor 2; plus strand). Cytogenetic location: 1p13.3.
Variant type: single nucleotide variant.
Coding change: c.8478C>T on transcript NM_001408.3 (MANE Select); coding-DNA position 8478, C replaced by T.
Protein change: p.Pro2826=; no amino-acid change (proline 2826 retained).
Molecular consequence: synonymous variant.
Genome position (GRCh38, 1-based): chr1:109,273,305, C>T. VCF-style: chr1-109273305-C-T. GRCh37 (hg19) VCF-style: chr1-109815927-C-T.
Identifiers: ClinVar variation 777930 (VCV000777930.12), dbSNP rs111634368, ClinGen allele CA988582.